The following is an entry in ClinVar:

NM_014946.4(SPAST):c.631G>A (p.Val211Ile)

Gene: SPAST (spastin; plus strand). Cytogenetic location: 2p22.3.
Variant type: single nucleotide variant.
Coding change: c.631G>A on transcript NM_014946.4 (MANE Select); coding-DNA position 631, G replaced by A.
Protein change: p.Val211Ile; replaces valine 211 with isoleucine.
Molecular consequence: missense variant. On other transcripts: intron variant (3).
Genome position (GRCh38, 1-based): chr2:32,098,840, G>A. VCF-style: chr2-32098840-G-A. GRCh37 (hg19) VCF-style: chr2-32323909-G-A.
Other names: c.628G>A, p.Val210Ile (NM_001363823.2); c.586+9235G>A (NM_199436.2, NM_001377959.1); c.583+9235G>A (NM_001363875.2); short protein forms V211I, V210I.
Identifiers: ClinVar variation 560537 (VCV000560537.9), dbSNP rs143003434, ClinGen allele CA1600664.
Genomic context (GRCh38, chr2:32,098,840, plus strand): 5'-CTTCTCTGTTGCATAGAGAAGATGCAACCAGTTTTGCCATTTTCCAAGTCACAAACGGAC[G>A]TCTATAATGACAGTACTAACTTGGCATGCCGCAATGGACATCTCCAGTCAGGTGGGTTTA-3'
Protein context (NP_055761.2, residues 201-221): VLPFSKSQTD[Val211Ile]YNDSTNLACR

ClinVar aggregate classification (germline): Uncertain significance. Review status: criteria provided, single submitter (1 of 4 stars). 2 submissions from 2 submitters: Uncertain significance (1). 1 of the submissions does not count toward it. Last evaluated 2024-02-24.

Conditions:
Hereditary spastic paraplegia 4. Also called: Spastic paraplegia 4, autosomal dominant; Spastic Paraplegia 4; Familial spastic paraplegia autosomal dominant 2. Identifiers: Orphanet 100985, MedGen C1866855, MONDO:0008438, OMIM 182601.

Allele frequency attached by ClinVar (database versions not stated): gnomAD 0.00002 and 0.00003; gnomAD exomes 0.00002 and 0.00003; TOPMed 0.00002; ExAC 0.00005; ESP Exome Variant Server 0.00008.
gnomAD v4.1: 37 of 1,613,622 alleles (0.0023%); highest among the groups gnomAD compares: South Asian, 0.023%; 1 homozygote.

Submissions (2):

Labcorp Genetics (formerly Invitae), Labcorp
Classification: Uncertain significance for Hereditary spastic paraplegia 4. Last evaluated: 2024-02-24. Review status: criteria provided, single submitter. Criteria: Invitae Variant Classification Sherloc (09022015). Collection method: clinical testing. Allele origin: germline.
Comment: This sequence change replaces valine, which is neutral and non-polar, with isoleucine, which is neutral and non-polar, at codon 211 of the SPAST protein (p.Val211Ile). This variant is present in population databases (rs143003434, gnomAD 0.01%). This missense change has been observed in individual(s) with hereditary spastic paraplegia (PMID: 35303589). ClinVar contains an entry for this variant (Variation ID: 560537). Advanced modeling of protein sequence and biophysical properties (such as structural, functional, and spatial information, amino acid conservation, physicochemical variation, residue mobility, and thermodynamic stability) has been performed at Invitae for this missense variant, however the output from this modeling did not meet the statistical confidence thresholds required to predict the impact of this variant on SPAST protein function. In summary, the available evidence is currently insufficient to determine the role of this variant in disease. Therefore, it has been classified as a Variant of Uncertain Significance.

Foundation for Research in Genetics and Endocrinology, FRIGE's Institute of Human Genetics
Classification: Likely pathogenic for Hereditary spastic paraplegia 4. Last evaluated: 2018-08-16. Review status: no assertion criteria provided. Collection method: clinical testing. Allele origin: unknown. Inheritance: Autosomal dominant inheritance. Affected: yes. Observed: 1 heterozygote. Not counted in ClinVar's aggregate classification.
Comment: The observed variant c.631G>A is not reported in 1000 Genomes database and has a minor allele frequency of 0.00005% in ExAC database. The in silico prediction of the variant is disease causing by MutationTaster2 and possibly damaging by polyphen2.

Literature cited by the submitters: PubMed 35303589 (cited by Labcorp Genetics (formerly Invitae), Labcorp).